The following is an entry in ClinVar:

ClinVar aggregate classification (germline): Pathogenic (1 of 4 stars; one submission).

Conditions:
Hereditary breast ovarian cancer syndrome. Also called: Hereditary breast and ovarian cancer syndrome (HBOC); Breast and ovarian cancer; Hereditary breast and ovarian cancer; Hereditary breast and ovarian cancer syndrome; BRCA1- and BRCA2-Associated Hereditary Breast and Ovarian Cancer; Hereditary breast and/or ovarian cancer syndrome. Identifiers: Orphanet 145, MedGen C0677776, MeSH D061325, MONDO:0003582. Disease mechanism: loss of function.

Submission:

Women's Health and Genetics/Laboratory Corporation of America, LabCorp
Classification: Pathogenic for Hereditary breast ovarian cancer syndrome. Last evaluated: 2025-10-03. Review status: criteria provided, single submitter. Criteria: LabCorp Variant Classification Summary - May 2015. Collection method: clinical testing. Allele origin: germline.
Comment: Variant summary: BRCA2 c.7300_7319del20 (p.Lys2434TrpfsX3) results in a premature termination codon, predicted to cause a truncation of the encoded protein or absence of the protein due to nonsense mediated decay, which are commonly known mechanisms for disease. The variant was absent in 251232 control chromosomes. To our knowledge, no occurrence of c.7300_7319del20 in individuals affected with BRCA2-related conditions and no experimental evidence demonstrating its impact on protein function have been reported. No submitters have cited clinical-significance assessments for this variant to ClinVar. Based on the evidence outlined above, the variant was classified as pathogenic.

NM_000059.4(BRCA2):c.7300_7319del (p.Lys2434fs)

Gene: BRCA2 (BRCA2 DNA repair associated; plus strand). Cytogenetic location: 13q13.1.
Variant type: Deletion.
Coding change: c.7300_7319del on transcript NM_000059.4 (MANE Select); coding-DNA positions 7300 to 7319, 20 bases deleted (AAGCAAAACATTGATGGACA).
Protein change: p.Lys2434fs; shifts the reading frame from lysine 2434.
Molecular consequence: frameshift variant. On other transcripts: non-coding transcript variant (1).
Genome position (GRCh38, 1-based): chr13:32,355,153-32,355,172, AAGCAAAACATTGATGGACA deleted; deleting any 20 consecutive bases within chr13:32,355,152-32,355,172 gives the same sequence; the c. name uses the placement nearest the transcript's 3' end. VCF-style (leftmost placement, unchanged base first): chr13-32355151-AAAAGCAAAACATTGATGGAC-A. GRCh37 (hg19) VCF-style: chr13-32929288-AAAAGCAAAACATTGATGGAC-A.
Other names: c.7300_7319del20 (NM_000059.4); c.7204_7223del, p.Lys2402fs (NM_001406719.1); c.7300_7319del, p.Lys2434fs (NM_001406720.1, NM_001432077.1); c.2368_2387del, p.Lys790fs (NM_001406721.1); c.883_902del, p.Lys295fs (NM_001406722.1); short protein forms K2402fs, K2434fs, K295fs, K790fs.
Identifiers: ClinVar variation 4687586 (VCV004687586.1).